The following is an entry in ClinVar:

NM_000238.4(KCNH2):c.2117C>T (p.Ser706Phe)

Gene: KCNH2 (potassium voltage-gated channel subfamily H member 2; minus strand). Cytogenetic location: 7q36.1.
Variant type: single nucleotide variant.
Coding change: c.2117C>T on transcript NM_000238.4 (MANE Select); coding-DNA position 2117, C replaced by T.
Protein change: p.Ser706Phe; replaces serine 706 with phenylalanine.
Molecular consequence: missense variant.
Genome position (GRCh38, 1-based): chr7:150,950,949, G>A on the plus strand (C>T on the coding strand, the complement: KCNH2 is on the minus strand). VCF-style: chr7-150950949-G-A. GRCh37 (hg19) VCF-style: chr7-150648037-G-A.
Other names: c.1097C>T, p.Ser366Phe (NM_001204798.2, NM_172057.3); c.1829C>T, p.Ser610Phe (NM_001406753.1, NM_001406756.1); c.1940C>T, p.Ser647Phe (NM_001406755.1); c.1817C>T, p.Ser606Phe (NM_001406757.1); c.2117C>T, p.Ser706Phe (NM_172056.3); c.2117C>T (LRG_288t1); short protein forms S366F, S706F, S610F, S606F, S647F.
Identifiers: ClinVar variation 67365 (VCV000067365.3), dbSNP rs199472985, ClinGen allele CA006255.

ClinVar aggregate classification (germline): not provided (0 of 4 stars; one submission).

Conditions:
Acquired long QT syndrome. Identifiers: MedGen C2732979, MONDO:1060292.

Submission:

Cardiovascular Biomedical Research Unit, Royal Brompton & Harefield NHS Foundation Trust
No classification provided. Condition: Acquired long QT syndrome. Review status: no classification provided. Collection method: literature only. Allele origin: germline.
Comment: This variant has been reported as associated with acquired long QT syndrome in the following publications (PMID:19843919). This is a literature report, and does not necessarily reflect the clinical interpretation of the Imperial College / Royal Brompton Cardiovascular Genetics laboratory.

Literature cited by the submitters: PubMed 19843919; PubMed 22581653.